The following is an entry in ClinVar:

NM_001378454.1(ALMS1):c.1859C>A (p.Thr620Asn)

Gene: ALMS1 (ALMS1 centrosome and basal body associated protein; plus strand). Cytogenetic location: 2p13.1.
Variant type: single nucleotide variant.
Coding change: c.1859C>A on transcript NM_001378454.1 (MANE Select); coding-DNA position 1859, C replaced by A.
Protein change: p.Thr620Asn; replaces threonine 620 with asparagine.
Molecular consequence: missense variant.
Genome position (GRCh38, 1-based): chr2:73,448,386, C>A. VCF-style: chr2-73448386-C-A. GRCh37 (hg19) VCF-style: chr2-73675513-C-A.
Other names: c.1862C>A, p.Thr621Asn (NM_015120.4); short protein forms T621N, T620N.
Identifiers: ClinVar variation 1504612 (VCV001504612.8), dbSNP rs1447523847, ClinGen allele CA347265614.

ClinVar aggregate classification (germline): Conflicting classifications of pathogenicity. Review status: criteria provided, conflicting classifications (1 of 4 stars). 2 submissions from 2 submitters: Uncertain significance (1); Likely benign (1). Last evaluated 2025-07-28.

Conditions:
Alstrom syndrome (ALMS). Identifiers: Orphanet 64, MedGen C0268425, MONDO:0008763, OMIM 203800.
Cardiovascular phenotype. Identifiers: MedGen CN230736.

Allele frequency attached by ClinVar (database versions not stated): gnomAD 0.00001; gnomAD exomes 0.00001; TOPMed 0.00005.
gnomAD v4.1: 6 of 1,613,896 alleles (0.00037%); highest among the groups gnomAD compares: Admixed American, 0.0083%; no homozygotes.

Submissions (2):

Ambry Genetics
Classification: Likely benign for Cardiovascular phenotype. Last evaluated: 2025-07-28. Review status: criteria provided, single submitter. Criteria: Ambry Variant Classification Scheme 2023. Collection method: clinical testing. Allele origin: germline.

Labcorp Genetics (formerly Invitae), Labcorp
Classification: Uncertain significance for Alstrom syndrome. Last evaluated: 2021-12-29. Review status: criteria provided, single submitter. Criteria: Invitae Variant Classification Sherloc (09022015). Collection method: clinical testing. Allele origin: germline.
Comment: This sequence change replaces threonine, which is neutral and polar, with asparagine, which is neutral and polar, at codon 621 of the ALMS1 protein (p.Thr621Asn). This variant is present in population databases (no rsID available, gnomAD 0.006%). This variant has not been reported in the literature in individuals affected with ALMS1-related conditions. Experimental studies and prediction algorithms are not available or were not evaluated, and the functional significance of this variant is currently unknown. In summary, the available evidence is currently insufficient to determine the role of this variant in disease. Therefore, it has been classified as a Variant of Uncertain Significance.